The following is an entry in ClinVar:

ClinVar aggregate classification (germline): Likely pathogenic. Review status: reviewed by expert panel (3 of 4 stars). 3 submissions from 3 submitters: Likely pathogenic (1). 2 of the submissions do not count toward it. Last evaluated 2025-05-20.

Conditions:
RPGR-related retinopathy. Also called: RPGR retinopathy. Identifiers: MedGen CN305589, MONDO:0100437.
Retinal dystrophy. Also called: Inherited retinal dystrophy. Identifiers: Orphanet 71862, MedGen C0854723, MeSH D058499, MONDO:0019118, HP:0000556.
RPGR-related disorder. Also called: RPGR-related condition.

Submissions (3):

ClinGen X-linked Inherited Retinal Disease Variant Curation Expert Panel, ClinGen
Classification: Likely pathogenic for RPGR-related retinopathy. Last evaluated: 2025-05-20. Review status: reviewed by expert panel. Criteria: ClinGen X LinkedIRD ACMG Specifications RPGR V1.0.0. Collection method: curation. Allele origin: germline. Inheritance: X-linked inheritance.
Comment: NM_001034853.2(RPGR):c.296C>T (p.Thr99Ile) is a missense variant predicted to substitute threonine with isoleucine at amino acid 99. This variant is absent from hemizygous individuals in gnomAD v4.1.0 (PM2_Supporting). At least one proband harboring this variant exhibits a phenotype including early onset (1 pt), a family history consistent with X-linked inheritance (2 pt), visual field constriction (0.5 pts), and rod involvement greater than cone (1 pt), which together are specific for RPGR-related retinopathy (4.5pts, PMID: 21857984, PP4). This variant has been reported in at least 2 additional apparently unrelated probands meeting the PS4 requirement of some functional vision impairment in affected males by age 30 years or decreased or absent cone and/or rod electroretinogram responses (PMID: 32702353, 31213501, 21857984, PS4_supporting). The variant has been reported to segregate with retinal dystrophy through at least 3 affected meioses from 1 family (PP1_moderate; PMID: 21857984). Another missense variant in the same codon, NM_001034853.2(RPGR):c.296C>A (p.Thr99Asn), (PMIDs: 32531858, 32702353, 10482958, and 28863407) has previously been classified as likely pathogenic for RPGR-related retinopathy by the ClinGen X-linked IRD VCEP, while no benign missense variants have been identified in this codon. The present variant has a higher Grantham’s distance (89) than the comparison variant (65), and SpliceAI has been used to confirm that neither variant has a predicted impact on RPGR splicing (PM5_Supporting). The computational predictor REVEL gives a score of 0.813, which is between the ClinGen X-linked IRD VCEP threshold of 0.773 to 0.931 and predicts a damaging effect on RPGR function (PP3_moderate). The computational splicing predictor SpliceAI gives a delta score of 0.03 for acceptor gain, which is below the ClinGen X-linked IRD VCEP threshold of >0.2 and does not predict that the variant disrupts RPGR splicing. In summary, this variant is classified as likely pathogenic for RPGR-related retinopathy based on the ClinGen X-linked Inherited Retinal Disease Expert Panel Specifications to the ACMG/AMP Variant Interpretation Guidelines for RPGR Version 1.0.0; PM2_supporting, PM5_supporting, PP1_moderate, PP3_moderate, and PP4. (date of approval 05/16/2025).

Dept Of Ophthalmology, Nagoya University
Classification: Uncertain significance for Retinal dystrophy. Last evaluated: 2023-10-01. Review status: criteria provided, single submitter. Criteria: Submitter's publication. Collection method: research. Allele origin: germline. Affected: yes. Not counted in ClinVar's aggregate classification.

Blueprint Genetics
Classification: Likely pathogenic for RPGR-related disorders. Last evaluated: 2021-11-11. Review status: criteria provided, single submitter. Criteria: ACMG Guidelines, 2015. Collection method: clinical testing. Allele origin: germline. Affected: yes. Observed: 4 variant alleles. Not counted in ClinVar's aggregate classification.

NM_001034853.2(RPGR):c.296C>T (p.Thr99Ile)

Gene: RPGR (retinitis pigmentosa GTPase regulator; minus strand). Cytogenetic location: Xp11.4.
Variant type: single nucleotide variant.
Coding change: c.296C>T on transcript NM_001034853.2 (MANE Select); coding-DNA position 296, C replaced by T.
Protein change: p.Thr99Ile; replaces threonine 99 with isoleucine.
Molecular consequence: missense variant. On other transcripts: non-coding transcript variant (6).
Genome position (GRCh38, 1-based): chrX:38,321,041, G>A on the plus strand (C>T on the coding strand, the complement: RPGR is on the minus strand). VCF-style: chrX-38321041-G-A. GRCh37 (hg19) VCF-style: chrX-38180294-G-A.
Other names: c.296C>T, p.Thr99Ile (NM_000328.3, NM_001367245.1, NM_001367246.1 and 4 more transcripts); c.326C>T, p.Thr109Ile (NM_001367248.1); short protein forms T109I, T99I.
Identifiers: ClinVar variation 3028605 (VCV003028605.2), dbSNP rs62638637, ClinGen allele CA412745374.